The following is an entry in ClinVar:

NM_000059.4(BRCA2):c.9665G>T (p.Cys3222Phe)

Gene: BRCA2 (BRCA2 DNA repair associated; plus strand). Cytogenetic location: 13q13.1.
Variant type: single nucleotide variant.
Coding change: c.9665G>T on transcript NM_000059.4 (MANE Select); coding-DNA position 9665, G replaced by T.
Protein change: p.Cys3222Phe; replaces cysteine 3222 with phenylalanine.
Molecular consequence: missense variant.
Genome position (GRCh38, 1-based): chr13:32,398,178, G>T. VCF-style: chr13-32398178-G-T. GRCh37 (hg19) VCF-style: chr13-32972315-G-T.
Other names: short protein forms C3222F.
Identifiers: ClinVar variation 1473290 (VCV001473290.8), dbSNP rs2073049164, ClinGen allele CA387765144.

ClinVar aggregate classification (germline): Uncertain significance (1 of 4 stars; one submission).

Conditions:
Hereditary breast ovarian cancer syndrome. Also called: Breast and ovarian cancer; Hereditary breast and ovarian cancer; Hereditary breast and ovarian cancer syndrome; Hereditary breast and ovarian cancer syndrome (HBOC); BRCA1- and BRCA2-Associated Hereditary Breast and Ovarian Cancer; Hereditary breast and/or ovarian cancer syndrome. Identifiers: Orphanet 145, MedGen C0677776, MeSH D061325, MONDO:0003582. Disease mechanism: loss of function.

Submission:

Labcorp Genetics (formerly Invitae), Labcorp
Classification: Uncertain significance for Hereditary breast ovarian cancer syndrome. Last evaluated: 2021-02-22. Review status: criteria provided, single submitter. Criteria: Invitae Variant Classification Sherloc (09022015). Collection method: clinical testing. Allele origin: germline.
Comment: This variant has not been reported in the literature in individuals with BRCA2-related conditions. Advanced modeling of protein sequence and biophysical properties (such as structural, functional, and spatial information, amino acid conservation, physicochemical variation, residue mobility, and thermodynamic stability) performed at Invitae indicates that this missense variant is not expected to disrupt BRCA2 protein function. In summary, the available evidence is currently insufficient to determine the role of this variant in disease. Therefore, it has been classified as a Variant of Uncertain Significance. This variant is not present in population databases (ExAC no frequency). This sequence change replaces cysteine with phenylalanine at codon 3222 of the BRCA2 protein (p.Cys3222Phe). The cysteine residue is weakly conserved and there is a large physicochemical difference between cysteine and phenylalanine.